The following is an entry in ClinVar:

ClinVar aggregate classification (germline): Likely benign. Review status: criteria provided, multiple submitters, no conflicts (2 of 4 stars). 4 submissions from 4 submitters: Likely benign (4). Last evaluated 2026-08-07.

Conditions:
SUCLA2-related disorder. Also called: SUCLA2-related condition.
Mitochondrial DNA depletion syndrome, encephalomyopathic form with methylmalonic aciduria (MTDPS5). Also called: Mitochondrial encephalomyopathy aminoacidopathy; MITOCHONDRIAL DNA DEPLETION SYNDROME, ENCEPHALOMYOPATHIC FORM, WITH OR WITHOUT METHYLMALONIC ACIDURIA, AUTOSOMAL RECESSIVE, SUCLA2-RELATED; Mitochondrial DNA depletion syndrome 5 (encephalomyopathic with or without methylmalonic aciduria); SUCLA2-Related Mitochondrial DNA Depletion Syndrome, Encephalomyopathic Form with Methylmalonic Aciduria. Identifiers: Orphanet 1933, MedGen C5980207, MONDO:0012791, OMIM 612073.

Allele frequency attached by ClinVar (database versions not stated): TOPMed 0.00001; gnomAD 0.00002 and 0.00003; gnomAD exomes 0.00006 and 0.00007; ExAC 0.00009.

Submissions (4):

PreventionGenetics, part of Exact Sciences
Classification: Likely benign for SUCLA2-related condition. Last evaluated: 2026-08-07. Review status: criteria provided, single submitter. Criteria: ACMG Guidelines, 2015. Collection method: clinical testing. Allele origin: germline.
Comment: This variant is classified as likely benign based on ACMG/AMP sequence variant interpretation guidelines (Richards et al. 2015 PMID: 25741868, with internal and published modifications).

Labcorp Genetics (formerly Invitae), Labcorp
Classification: Likely benign for Mitochondrial DNA depletion syndrome, encephalomyopathic form with methylmalonic aciduria. Last evaluated: 2025-05-07. Review status: criteria provided, single submitter. Criteria: Invitae Variant Classification Sherloc (09022015). Collection method: clinical testing. Allele origin: germline.

Blueprint Genetics
Classification: Likely benign. Last evaluated: 2024-10-25. Review status: criteria provided, single submitter. Criteria: ACMG Guidelines, 2015. Collection method: clinical testing. Allele origin: germline.

CeGaT Center for Human Genetics Tuebingen
Classification: Likely benign. Last evaluated: 2023-01-01. Review status: criteria provided, single submitter. Criteria: CeGaT Center For Human Genetics Tuebingen Variant Classification Criteria Version 2. Collection method: clinical testing. Allele origin: germline. Affected: yes. Observed: 1 variant allele.
Comment: SUCLA2: BP4, BP7

NM_003850.3(SUCLA2):c.750C>T (p.Tyr250=)

Gene: SUCLA2 (succinate-CoA ligase ADP-forming subunit beta; minus strand). Cytogenetic location: 13q14.2.
Variant type: single nucleotide variant.
Coding change: c.750C>T on transcript NM_003850.3 (MANE Select); coding-DNA position 750, C replaced by T.
Protein change: p.Tyr250=; no amino-acid change (tyrosine 250 retained).
Molecular consequence: synonymous variant.
Genome position (GRCh38, 1-based): chr13:47,968,647, G>A on the plus strand (C>T on the coding strand, the complement: SUCLA2 is on the minus strand). VCF-style: chr13-47968647-G-A. GRCh37 (hg19) VCF-style: chr13-48542782-G-A.
Other names: c.750C>T (NM_003850.2).
Identifiers: ClinVar variation 1629983 (VCV001629983.34), dbSNP rs765245532, ClinGen allele CA6977925.